The following is an entry in ClinVar:

NM_002458.3(MUC5B):c.8333C>T (p.Thr2778Ile)

Genes: MUC5B (mucin 5B, oligomeric mucus/gel-forming; plus strand), MUC5B-AS1 (MUC5B antisense RNA 1; minus strand). Cytogenetic location: 11p15.5.
Variant type: single nucleotide variant.
Coding change: c.8333C>T on transcript NM_002458.3 (MANE Select); coding-DNA position 8333, C replaced by T.
Protein change: p.Thr2778Ile; replaces threonine 2778 with isoleucine.
Molecular consequence: missense variant.
Genome position (GRCh38, 1-based): chr11:1,245,213, C>T. VCF-style: chr11-1245213-C-T. GRCh37 (hg19) VCF-style: chr11-1266443-C-T.
Other names: short protein forms T2778I.
Identifiers: ClinVar variation 3256956 (VCV003256956.17).

ClinVar aggregate classification (germline): Likely benign (1 of 4 stars; one submission).

Submission:

CeGaT Center for Human Genetics Tuebingen
Classification: Likely benign. Last evaluated: 2025-04-01. Review status: criteria provided, single submitter. Criteria: CeGaT Center For Human Genetics Tuebingen Variant Classification Criteria Version 2. Collection method: clinical testing. Allele origin: germline. Affected: yes. Observed: 4 variant alleles.
Comment: MUC5B: BP4, BS1